The following is an entry in ClinVar:

NM_000138.5(FBN1):c.82A>G (p.Asn28Asp)

Genes: FBN1 (fibrillin 1; minus strand), LOC130057019 (ATAC-STARR-seq lymphoblastoid silent region 6417; plus strand). Cytogenetic location: 15q21.1.
Variant type: single nucleotide variant.
Coding change: c.82A>G on transcript NM_000138.5 (MANE Select); coding-DNA position 82, A replaced by G.
Protein change: p.Asn28Asp; replaces asparagine 28 with aspartic acid.
Molecular consequence: missense variant.
Genome position (GRCh38, 1-based): chr15:48,644,688, T>C on the plus strand (A>G on the coding strand, the complement: FBN1 is on the minus strand). VCF-style: chr15-48644688-T-C. GRCh37 (hg19) VCF-style: chr15-48936885-T-C.
Other names: short protein forms N28D.
Identifiers: ClinVar variation 495658 (VCV000495658.41), dbSNP rs1555407418, ClinGen allele CA392453711.

ClinVar aggregate classification (germline): Uncertain significance. Review status: criteria provided, multiple submitters, no conflicts (2 of 4 stars). 3 submissions from 3 submitters: Uncertain significance (3). Last evaluated 2023-08-15.

Conditions:
Marfan syndrome (MFS). Also called: Marfan syndrome type 1; MARFAN SYNDROME, TYPE I; Marfan's syndrome; FBN1-Related Marfan Syndrome; Marfan syndrome, classic. Identifiers: Orphanet 284963, Orphanet 558, MedGen C0024796, MONDO:0007947, OMIM 154700.

Submissions (3):

All of Us Research Program, National Institutes of Health
Classification: Uncertain significance for Marfan syndrome. Last evaluated: 2023-08-15. Review status: criteria provided, single submitter. Criteria: ACMG Guidelines, 2015. Collection method: clinical testing. Allele origin: germline. Inheritance: Autosomal dominant inheritance. Observed: 1 variant allele, 1 heterozygote.
Comment: This study involves interpretation of variants in research participants for the purpose of population health screening. Participant phenotype was not available at the time of variant classification. Additional details can be found in publication PMID: 35346344, PMCID: PMC8962531

Women's Health and Genetics/Laboratory Corporation of America, LabCorp
Classification: Uncertain significance. Last evaluated: 2020-12-17. Review status: criteria provided, single submitter. Criteria: LabCorp Variant Classification Summary - May 2015. Collection method: clinical testing. Allele origin: germline.
Comment: Variant summary: FBN1 c.82A>G (p.Asn28Asp) results in a conservative amino acid change in the encoded protein sequence that might affect one of the amino-terminal signal peptide cleavage sites (Ritty_1999, Guo_2015). Though a variant (c.79G>A (p.Ala27Thr)) that might also affect this cleavage site was classified as benign by our laboratory, another variant affecting the variant codon Asn28Ser (c.83A>G) was classified as VUS. Five of five in-silico tools predict a benign effect of the variant on protein function. The variant was absent in 251478 control chromosomes (gnomAD). These data indicate that the variant is likely to be associated with hypermobile EDS. To our knowledge, no occurrence of c.82A>G in individuals affected with Marfan Syndrome or hypermobile EDS and no experimental evidence demonstrating its impact on protein function have been reported. No other clinical diagnostic laboratories have submitted clinical-significance assessments for this variant to ClinVar after 2014. Based on the evidence outlined above, until additional evidence supporting an unequivocal association of this variant with the hypermobile EDS and/or Marfan phenotype are obtained, the variant was classified as VUS-possibly pathogenic.

CeGaT Center for Human Genetics Tuebingen
Classification: Uncertain significance. Last evaluated: 2020-11-01. Review status: criteria provided, single submitter. Criteria: CeGaT Center For Human Genetics Tuebingen Variant Classification Criteria Version 2. Collection method: clinical testing. Allele origin: germline. Affected: yes. Observed: 1 variant allele.

Literature cited by the submitters: PubMed 26272055 (cited by Women's Health and Genetics/Laboratory Corporation of America, LabCorp); PubMed 10085138 (cited by Women's Health and Genetics/Laboratory Corporation of America, LabCorp).